The following is an entry in ClinVar:

NM_001194.4(HCN2):c.1569C>T (p.Asn523=)

Gene: HCN2 (hyperpolarization activated cyclic nucleotide gated potassium and sodium channel 2; plus strand). Cytogenetic location: 19p13.3.
Variant type: single nucleotide variant.
Coding change: c.1569C>T on transcript NM_001194.4 (MANE Select); coding-DNA position 1569, C replaced by T.
Protein change: p.Asn523=; no amino-acid change (asparagine 523 retained).
Molecular consequence: synonymous variant.
Genome position (GRCh38, 1-based): chr19:610,390, C>T. VCF-style: chr19-610390-C-T. GRCh37 (hg19) VCF-style: chr19-610390-C-T.
Identifiers: ClinVar variation 3046412 (VCV003046412.3), dbSNP rs150388404, ClinGen allele CA9018497.
Genomic context (GRCh38, chr19:610,390, plus strand): 5'-CTATGAGCACCGTTACCAGGGCAAGATGTTTGACGAGGACAGCATCCTGGGCGAGCTCAA[C>T]GGGCCCCTGCGGGAGGTGAGGCGGGCGCCGGGCGGGCGGGAGGCAGCCTCCGGTACAGGG-3'
Protein context (NP_001185.3, residues 513-533): FDEDSILGEL[Asn523=]GPLREEIVNF

ClinVar aggregate classification (germline): Likely benign. Review status: criteria provided, single submitter (1 of 4 stars). 2 submissions from 2 submitters: Likely benign (1). 1 of the submissions does not count toward it. Last evaluated 2024-09-05.

Conditions:
HCN2-related disorder. Also called: HCN2-related condition.

Allele frequency attached by ClinVar (database versions not stated): gnomAD exomes 0.00013; gnomAD 0.00007; TOPMed 0.00009; ESP Exome Variant Server 0.00015; ExAC 0.00013.

Submissions (2):

Blueprint Genetics
Classification: Likely benign. Last evaluated: 2024-09-05. Review status: criteria provided, single submitter. Criteria: ACMG Guidelines, 2015. Collection method: clinical testing. Allele origin: germline.

PreventionGenetics, part of Exact Sciences
Classification: Likely benign for HCN2-related condition. Last evaluated: 2019-04-09. Review status: no assertion criteria provided. Collection method: clinical testing. Allele origin: germline. Not counted in ClinVar's aggregate classification.
Comment: This variant is classified as likely benign based on ACMG/AMP sequence variant interpretation guidelines (Richards et al. 2015 PMID: 25741868, with internal and published modifications).